The following is an entry in ClinVar:

NM_001161352.2(KCNMA1):c.2411C>T (p.Ser804Phe)

Genes: KCNMA1 (potassium calcium-activated channel subfamily M alpha 1; minus strand), KCNMA1-AS1 (KCNMA1 antisense RNA 1; plus strand). Cytogenetic location: 10q22.3.
Variant type: single nucleotide variant.
Coding change: c.2411C>T on transcript NM_001161352.2 (MANE Select); coding-DNA position 2411, C replaced by T.
Protein change: p.Ser804Phe; replaces serine 804 with phenylalanine.
Molecular consequence: missense variant.
Genome position (GRCh38, 1-based): chr10:76,953,874, G>A on the plus strand (C>T on the coding strand, the complement: KCNMA1 is on the minus strand). VCF-style: chr10-76953874-G-A. GRCh37 (hg19) VCF-style: chr10-78713632-G-A.
Other names: c.2249C>T, p.Ser750Phe (NM_001014797.3, NM_001322835.2, NM_001322837.2); c.2237C>T, p.Ser746Phe (NM_001161353.2, NM_001322832.2, NM_002247.4); c.2087C>T, p.Ser696Phe (NM_001271518.2); c.2246C>T, p.Ser749Phe (NM_001271519.2, NM_001322829.2, NM_001322836.2); c.2258C>T, p.Ser753Phe (NM_001322830.2); c.1784C>T, p.Ser595Phe (NM_001322838.2); short protein forms S595F, S696F, S746F, S749F, S750F, S753F, S804F.
Identifiers: ClinVar variation 1304781 (VCV001304781.9), dbSNP rs2152988601, ClinGen allele CA377407694.
Genomic context (GRCh38, chr10:76,953,874, plus strand): 5'-TCTATCTCCTTGGGTGCACACCAGTGAAACATCCCAGTAGAGTCGTACTTCTTCACATTG[G>A]AGTCCATGTTGTCAATCTGATCATTGCCAGGAATTAACAAGGGGTCATGCCTGGGAAGAA-3'
Protein context (NP_001154824.1, residues 794-814): PGNDQIDNMD[Ser804Phe]NVKKYDSTGM

ClinVar aggregate classification (germline): Uncertain significance. Review status: criteria provided, multiple submitters, no conflicts (2 of 4 stars). 2 submissions from 2 submitters: Uncertain significance (2). Last evaluated 2023-12-30.

Conditions:
Generalized epilepsy-paroxysmal dyskinesia syndrome (PNKD3). Also called: Paroxysmal nonkinesigenic dyskinesia, 3, with or without generalized epilepsy; Generalized epilepsy and paroxysmal dyskinesia. Identifiers: Orphanet 79137, MedGen C5574945, MONDO:0012276, OMIM 609446.

gnomAD v4.1: 1 of 1,613,928 alleles (0.000062%); highest among the groups gnomAD compares: Non-Finnish European, 0.000085%; no homozygotes.

Submissions (2):

Labcorp Genetics (formerly Invitae), Labcorp
Classification: Uncertain significance for Generalized epilepsy-paroxysmal dyskinesia syndrome. Last evaluated: 2023-12-30. Review status: criteria provided, single submitter. Criteria: Invitae Variant Classification Sherloc (09022015). Collection method: clinical testing. Allele origin: germline.
Comment: This sequence change replaces serine, which is neutral and polar, with phenylalanine, which is neutral and non-polar, at codon 746 of the KCNMA1 protein (p.Ser746Phe). This variant is not present in population databases (gnomAD no frequency). This variant has not been reported in the literature in individuals affected with KCNMA1-related conditions. ClinVar contains an entry for this variant (Variation ID: 1304781). Advanced modeling of protein sequence and biophysical properties (such as structural, functional, and spatial information, amino acid conservation, physicochemical variation, residue mobility, and thermodynamic stability) performed at Invitae indicates that this missense variant is not expected to disrupt KCNMA1 protein function with a negative predictive value of 80%. In summary, the available evidence is currently insufficient to determine the role of this variant in disease. Therefore, it has been classified as a Variant of Uncertain Significance.

GeneDx
Classification: Uncertain significance. Last evaluated: 2019-07-24. Review status: criteria provided, single submitter. Criteria: GeneDx Variant Classification Process June 2021. Collection method: clinical testing. Allele origin: germline. Affected: yes.
Comment: Not observed in large population cohorts (Lek et al., 2016); In silico analysis, which includes protein predictors and evolutionary conservation, supports a deleterious effect; Has not been previously published as pathogenic or benign to our knowledge